The following is an entry in ClinVar:

ClinVar aggregate classification (germline): Uncertain significance (1 of 4 stars; one submission).

Conditions:
KBG syndrome (KBGS). Also called: ANKRD11-Related KBG Syndrome. Identifiers: Orphanet 2332, MedGen C0220687, MONDO:0007846, OMIM 148050.

Submission:

Victorian Clinical Genetics Services, Murdoch Childrens Research Institute
Classification: Uncertain significance for KBG syndrome. Last evaluated: 2022-02-02. Review status: criteria provided, single submitter. Criteria: ACMG Guidelines, 2015. Collection method: clinical testing. Allele origin: germline. Inheritance: Autosomal dominant inheritance.
Comment: Based on the classification scheme VCGS_Germline_v1.3.4, this variant is classified as VUS-3B. Following criteria are met: 0102 - Loss of function is a known mechanism of disease in this gene and is associated with KBG syndrome (MIM#148050). (I) 0107 - This gene is associated with autosomal dominant disease. (I) 0200 - Variant is predicted to result in a missense amino acid change from lysine to asparagine. (I) 0251 - This variant is heterozygous. (I) 0301 - Variant is absent from gnomAD (both v2 and v3). (SP) 0502 - Missense variant with conflicting in silico predictions, and highly conserved with a moderate amino acid change. (I) 0604 - Variant is not located in an established domain, motif, hotspot or informative constraint region. (I) 0710 - Another missense variant comparable to the one identified in this case has inconclusive previous evidence for pathogenicity. An alternate change to glutamic acid at the same residue has previously been classified as a VUS (ClinVar). (I) 0807 - This variant has no previous evidence of pathogenicity. (I) 0905 - No published segregation evidence has been identified for this variant. (I) 1007 - No published functional evidence has been identified for this variant. (I) 1208 - Inheritance information for this variant is not currently available in this individual. (I) Legend: (SP) - Supporting pathogenic, (I) - Information, (SB) - Supporting benign

NM_013275.6(ANKRD11):c.990G>C (p.Lys330Asn)

Gene: ANKRD11 (ankyrin repeat domain 11; minus strand). Cytogenetic location: 16q24.3.
Variant type: single nucleotide variant.
Coding change: c.990G>C on transcript NM_013275.6 (MANE Select); coding-DNA position 990, G replaced by C.
Protein change: p.Lys330Asn; replaces lysine 330 with asparagine.
Molecular consequence: missense variant.
Genome position (GRCh38, 1-based): chr16:89,285,552, C>G on the plus strand (G>C on the coding strand, the complement: ANKRD11 is on the minus strand). VCF-style: chr16-89285552-C-G. GRCh37 (hg19) VCF-style: chr16-89351960-C-G.
Other names: c.990G>C, p.Lys330Asn (NM_001256182.2, NM_001256183.2); short protein forms K330N.
Identifiers: ClinVar variation 1805046 (VCV001805046.1), dbSNP rs2544246709, ClinGen allele CA397165996.